The following is an entry in ClinVar:

NM_031844.3(HNRNPU):c.1013T>C (p.Met338Thr)

Gene: HNRNPU (heterogeneous nuclear ribonucleoprotein U; minus strand). Cytogenetic location: 1q44.
Variant type: single nucleotide variant.
Coding change: c.1013T>C on transcript NM_031844.3 (MANE Select); coding-DNA position 1013, T replaced by C.
Protein change: p.Met338Thr; replaces methionine 338 with threonine.
Molecular consequence: missense variant.
Genome position (GRCh38, 1-based): chr1:244,860,339, A>G on the plus strand (T>C on the coding strand, the complement: HNRNPU is on the minus strand). VCF-style: chr1-244860339-A-G. GRCh37 (hg19) VCF-style: chr1-245023641-A-G.
Other names: c.956T>C, p.Met319Thr (NM_004501.3); short protein forms M338T, M319T.
Identifiers: ClinVar variation 2816872 (VCV002816872.3), dbSNP rs2527885139, ClinGen allele CA345493641.

ClinVar aggregate classification (germline): Uncertain significance (1 of 4 stars; one submission).

Conditions:
Developmental and epileptic encephalopathy, 54. Also called: Epileptic encephalopathy, early infantile, 54; HNRNPU-Related Neurodevelopmental Disorder. Identifiers: MedGen C4479319, MONDO:0033363, OMIM 617391.

Submission:

Labcorp Genetics (formerly Invitae), Labcorp
Classification: Uncertain significance for Developmental and epileptic encephalopathy, 54. Last evaluated: 2025-08-26. Review status: criteria provided, single submitter. Criteria: Invitae Variant Classification Sherloc (09022015). Collection method: clinical testing. Allele origin: germline.
Comment: This sequence change replaces methionine, which is neutral and non-polar, with threonine, which is neutral and polar, at codon 338 of the HNRNPU protein (p.Met338Thr). This variant is not present in population databases (gnomAD no frequency). This variant has not been reported in the literature in individuals affected with HNRNPU-related conditions. ClinVar contains an entry for this variant (Variation ID: 2816872). Invitae Evidence Modeling of protein sequence and biophysical properties (such as structural, functional, and spatial information, amino acid conservation, physicochemical variation, residue mobility, and thermodynamic stability) has been performed for this missense variant. However, the output from this modeling did not meet the statistical confidence thresholds required to predict the impact of this variant on HNRNPU protein function. In summary, the available evidence is currently insufficient to determine the role of this variant in disease. Therefore, it has been classified as a Variant of Uncertain Significance.